The following is an entry in ClinVar:

NM_006306.4(SMC1A):c.2563-8G>A

Gene: SMC1A (structural maintenance of chromosomes 1A; minus strand). Cytogenetic location: Xp11.22.
Variant type: single nucleotide variant.
Coding change: c.2563-8G>A on transcript NM_006306.4 (MANE Select); 8 bases into the intron before coding-DNA position 2563, G replaced by A.
Molecular consequence: intron variant.
Genome position (GRCh38, 1-based): chrX:53,396,625, C>T on the plus strand (G>A on the coding strand, the complement: SMC1A is on the minus strand). VCF-style: chrX-53396625-C-T. GRCh37 (hg19) VCF-style: chrX-53423545-C-T.
Other names: c.2497-8G>A (NM_001281463.1).
Identifiers: ClinVar variation 1313546 (VCV001313546.2), dbSNP rs2146593680, ClinGen allele CA2573055362.

ClinVar aggregate classification (germline): Uncertain significance (1 of 4 stars; one submission).

Submission:

GeneDx
Classification: Uncertain significance. Last evaluated: 2020-10-19. Review status: criteria provided, single submitter. Criteria: GeneDx Variant Classification Process June 2021. Collection method: clinical testing. Allele origin: germline. Affected: yes.
Comment: Not observed in large population cohorts (Lek et al., 2016); Has not been previously published as pathogenic or benign to our knowledge; In-silico analysis, which includes splice predictors and evolutionary conservation, is inconclusive as to whether the variant alters gene splicing. In the absence of RNA/functional studies, the actual effect of this sequence change is unknown.